The following is an entry in ClinVar:

NM_024675.4(PALB2):c.3280G>A (p.Val1094Met)

Gene: PALB2 (partner and localizer of BRCA2; minus strand). Cytogenetic location: 16p12.2.
Variant type: single nucleotide variant.
Coding change: c.3280G>A on transcript NM_024675.4 (MANE Select); coding-DNA position 3280, G replaced by A.
Protein change: p.Val1094Met; replaces valine 1094 with methionine.
Molecular consequence: missense variant.
Genome position (GRCh38, 1-based): chr16:23,607,934, C>T on the plus strand (G>A on the coding strand, the complement: PALB2 is on the minus strand). VCF-style: chr16-23607934-C-T. GRCh37 (hg19) VCF-style: chr16-23619255-C-T.
Other names: short protein forms V1094M.
Identifiers: ClinVar variation 823413 (VCV000823413.12), dbSNP rs1597066796, ClinGen allele CA395139610.

ClinVar aggregate classification (germline): Uncertain significance. Review status: criteria provided, multiple submitters, no conflicts (2 of 4 stars). 4 submissions from 4 submitters: Uncertain significance (4). Last evaluated 2025-12-15.

Conditions:
Breast-ovarian cancer, familial, susceptibility to, 5 (BROVCA5). Identifiers: MedGen C5830615, MONDO:0957530, OMIM 620442.
Familial cancer of breast. Also called: BREAST CANCER, FAMILIAL; Hereditary breast cancer; hereditary breast carcinoma. Identifiers: Orphanet 227535, MedGen C0346153, MONDO:0016419, OMIM 114480. Disease mechanism: loss of function.
Hereditary cancer-predisposing syndrome. Also called: Tumor predisposition; Hereditary Cancer Syndrome; Neoplastic Syndromes, Hereditary; Hereditary neoplastic syndrome. Identifiers: Orphanet 140162, MedGen C0027672, MeSH D009386, MONDO:0015356.

Allele frequency attached by ClinVar (database versions not stated): gnomAD exomes below 0.00001.
gnomAD v4.1: 1 of 1,614,108 alleles (0.000062%); highest among the groups gnomAD compares: African/African-American, 0.0013%; no homozygotes.

Submissions (4):

Labcorp Genetics (formerly Invitae), Labcorp
Classification: Uncertain significance for Familial cancer of breast. Last evaluated: 2025-12-15. Review status: criteria provided, single submitter. Criteria: Invitae Variant Classification Sherloc (09022015). Collection method: clinical testing. Allele origin: germline.
Comment: This sequence change replaces valine, which is neutral and non-polar, with methionine, which is neutral and non-polar, at codon 1094 of the PALB2 protein (p.Val1094Met). This variant is not present in population databases (gnomAD no frequency). This variant has not been reported in the literature in individuals affected with PALB2-related conditions. ClinVar contains an entry for this variant (Variation ID: 823413). An algorithm developed to predict the effect of missense changes on protein structure and function (PolyPhen-2) suggests that this variant is likely to be disruptive. In summary, the available evidence is currently insufficient to determine the role of this variant in disease. Therefore, it has been classified as a Variant of Uncertain Significance.

Ambry Genetics
Classification: Uncertain significance for Hereditary cancer-predisposing syndrome. Last evaluated: 2025-05-17. Review status: criteria provided, single submitter. Criteria: Ambry Variant Classification Scheme 2023. Collection method: clinical testing. Allele origin: germline.
Comment: The p.V1094M variant (also known as c.3280G>A), located in coding exon 12 of the PALB2 gene, results from a G to A substitution at nucleotide position 3280. The valine at codon 1094 is replaced by methionine, an amino acid with highly similar properties. This amino acid position is not well conserved in available vertebrate species. In addition, this alteration is predicted to be tolerated by in silico analysis. Since supporting evidence is limited at this time, the clinical significance of this alteration remains unclear.

KCCC/NGS Laboratory, Kuwait Cancer Control Center
Classification: Uncertain significance for Breast-ovarian cancer, familial, susceptibility to, 5. Last evaluated: 2023-09-13. Review status: criteria provided, single submitter. Criteria: ACMG Guidelines, 2015. Collection method: clinical testing. Allele origin: germline. Inheritance: Autosomal dominant inheritance. Affected: yes. Observed: 1 heterozygote.
Comment: This sequence change replaces valine, which is neutral and non-polar, with methionine, which is neutral and nonpolar, at codon 1094 of the PALB2 protein (p.Val1094Met). This variant is not present in population databases (gnomAD no frequency). This variant has not been reported in the literature in individuals affected with PALB2-related conditions. ClinVar contains an entry for this variant (Variation ID: 823413). This amino acid position is not well conserved (PhyloP=4.7). In addition, this alteration is predicted to be tolerated by in silico analysis. In summary, the available evidence is currently insufficient to determine the role of this variant in disease. Therefore, it has been classified as a Variant of Uncertain Significance

Sema4
Classification: Uncertain significance for Hereditary cancer-predisposing syndrome. Last evaluated: 2021-07-20. Review status: criteria provided, single submitter. Criteria: Sema4 Curation Guidelines. Collection method: curation. Allele origin: germline.
Comment: The PALB2 c.3280G>A (p.V1094M) variant has not been reported in the literature to our knowledge. It was not observed in the large and broad cohorts of the Genome Aggregation Database (PMID: 32461654). The variant has been reported in ClinVar (Variation ID: 823413). Functional studies have not been performed and in silico predictions of the variant's effect on protein function are inconclusive. The evidence is insufficient to meet ACMG/AMP criteria for classifying the variant as benign or pathogenic. Thus, the clinical significance of this variant is currently uncertain.